The following is an entry in ClinVar:

ClinVar aggregate classification (germline): Uncertain significance. Review status: criteria provided, multiple submitters, no conflicts (2 of 4 stars). 2 submissions from 2 submitters: Uncertain significance (2). Last evaluated 2025-01-25.

Conditions:
Inborn genetic diseases. Identifiers: MedGen C0950123, MeSH D030342.

Submissions (2):

Ambry Genetics
Classification: Uncertain significance for Inborn genetic diseases. Last evaluated: 2025-01-25. Review status: criteria provided, single submitter. Criteria: Ambry Variant Classification Scheme 2023. Collection method: clinical testing. Allele origin: germline.
Comment: The p.P1167A variant (also known as c.3499C>G), located in coding exon 13 of the ASXL1 gene, results from a C to G substitution at nucleotide position 3499. The proline at codon 1167 is replaced by alanine, an amino acid with highly similar properties. This amino acid position is conserved. In addition, this alteration is predicted to be tolerated by in silico analysis. Based on the available evidence, the clinical significance of this variant remains unclear.

Labcorp Genetics (formerly Invitae), Labcorp
Classification: Uncertain significance. Last evaluated: 2024-12-06. Review status: criteria provided, single submitter. Criteria: Invitae Variant Classification Sherloc (09022015). Collection method: clinical testing. Allele origin: germline.
Comment: This sequence change replaces proline, which is neutral and non-polar, with alanine, which is neutral and non-polar, at codon 1167 of the ASXL1 protein (p.Pro1167Ala). This variant is not present in population databases (gnomAD no frequency). This variant has not been reported in the literature in individuals affected with ASXL1-related conditions. An algorithm developed to predict the effect of missense changes on protein structure and function (PolyPhen-2) suggests that this variant is likely to be tolerated. In summary, the available evidence is currently insufficient to determine the role of this variant in disease. Therefore, it has been classified as a Variant of Uncertain Significance.

NM_015338.6(ASXL1):c.3499C>G (p.Pro1167Ala)

Gene: ASXL1 (ASXL transcriptional regulator 1; plus strand). Cytogenetic location: 20q11.21.
Variant type: single nucleotide variant.
Coding change: c.3499C>G on transcript NM_015338.6 (MANE Select); coding-DNA position 3499, C replaced by G.
Protein change: p.Pro1167Ala; replaces proline 1167 with alanine.
Molecular consequence: missense variant.
Genome position (GRCh38, 1-based): chr20:32,436,211, C>G. VCF-style: chr20-32436211-C-G. GRCh37 (hg19) VCF-style: chr20-31024014-C-G.
Other names: c.3316C>G, p.Pro1106Ala (NM_001363734.1); short protein forms P1106A, P1167A.
Identifiers: ClinVar variation 3682218 (VCV003682218.3).
Genomic context (GRCh38, chr20:32,436,211, plus strand): 5'-CTACGCATGGGATCTTTACATGGTCTTGGAAAAAACAGTGGCATGGTTGATGGAAGCAGC[C>G]CCAGTTCTTTAAGGGCTTTGAAGGAGCCTCTTCTGCCAGATAGCTGTGAAACAGGCACTG-3'
Protein context (NP_056153.2, residues 1157-1177): KNSGMVDGSS[Pro1167Ala]SSLRALKEPL